The following is an entry in ClinVar:

NM_000142.5(FGFR3):c.930+524G>A

Gene: FGFR3 (fibroblast growth factor receptor 3; plus strand). Cytogenetic location: 4p16.3.
Variant type: single nucleotide variant.
Coding change: c.930+524G>A on transcript NM_000142.5 (MANE Select); 524 bases into the intron after coding-DNA position 930, G replaced by A.
Molecular consequence: intron variant.
Genome position (GRCh38, 1-based): chr4:1,802,549, G>A. VCF-style: chr4-1802549-G-A. GRCh37 (hg19) VCF-style: chr4-1804276-G-A.
Other names: c.931-365G>A (NM_001163213.2); c.930+524G>A (NM_001354809.2, NM_001354810.2, NM_022965.4).
Identifiers: ClinVar variation 4857834 (VCV004857834.1).

ClinVar aggregate classification (germline): Benign (1 of 4 stars; one submission).

Conditions:
FGFR3-related chondrodysplasia. Identifiers: Orphanet 93420, MedGen C5681604, MONDO:0019685.

gnomAD v4.1: 12,508 of 152,310 alleles (8.2%); highest among the groups gnomAD compares: African/African-American, 13%; 625 homozygotes.

Submission:

Genomenon, Inc
Classification: Benign for FGFR3-related chondrodysplasia. Last evaluated: 2026-06-23. Review status: criteria provided, single submitter. Criteria: Genomenon Sequence Variant Interpretation Standards - Updated. Collection method: curation. Allele origin: germline. Affected: no.
Comment: FGFR3 c.930+524G>A is an intronic variant located in intron 7. This variant is present at high allele frequency in population databases. We classify FGFR3 c.930+524G>A as a benign variant.